The following is an entry in ClinVar:

ClinVar aggregate classification (germline): Uncertain significance (1 of 4 stars; one submission).

gnomAD v4.1: 6 of 1,515,072 alleles (0.0004%); highest among the groups gnomAD compares: African/African-American, 0.0058%; no homozygotes.

Submission:

GeneDx
Classification: Uncertain significance. Last evaluated: 2024-08-26. Review status: criteria provided, single submitter. Criteria: GeneDx Variant Classification Process June 2021. Collection method: clinical testing. Allele origin: germline. Affected: yes.
Comment: In silico analysis indicates that this missense variant does not alter protein structure/function; Has not been previously published as pathogenic or benign to our knowledge

NM_016194.4(GNB5):c.228C>A (p.His76Gln)

Genes: GNB5 (G protein subunit beta 5; minus strand), LOC130057083 (ATAC-STARR-seq lymphoblastoid silent region 6445; plus strand). Cytogenetic location: 15q21.2.
Variant type: single nucleotide variant.
Coding change: c.228C>A on transcript NM_016194.4 (MANE Select); coding-DNA position 228, C replaced by A.
Protein change: p.His76Gln; replaces histidine 76 with glutamine.
Molecular consequence: missense variant.
Genome position (GRCh38, 1-based): chr15:52,179,778, G>T on the plus strand (C>A on the coding strand, the complement: GNB5 is on the minus strand). VCF-style: chr15-52179778-G-T. GRCh37 (hg19) VCF-style: chr15-52471975-G-T.
Other names: c.102C>A, p.His34Gln (NM_006578.4); short protein forms H34Q, H76Q.
Identifiers: ClinVar variation 3766101 (VCV003766101.1).